The following is an entry in ClinVar:

NM_001103.4(ACTN2):c.619G>T (p.Asp207Tyr)

Gene: ACTN2 (actinin alpha 2; plus strand). Cytogenetic location: 1q43.
Variant type: single nucleotide variant.
Coding change: c.619G>T on transcript NM_001103.4 (MANE Select); coding-DNA position 619, G replaced by T.
Protein change: p.Asp207Tyr; replaces aspartic acid 207 with tyrosine.
Molecular consequence: missense variant. On other transcripts: 5 prime UTR variant (1).
Genome position (GRCh38, 1-based): chr1:236,731,236, G>T. VCF-style: chr1-236731236-G-T. GRCh37 (hg19) VCF-style: chr1-236894536-G-T.
Other names: c.619G>T, p.Asp207Tyr (NM_001278343.2); c.-203G>T (NM_001278344.2); c.-328G>T (NM_001412150.1); short protein forms D207Y.
Identifiers: ClinVar variation 2115829 (VCV002115829.4), dbSNP rs2527574520, ClinGen allele CA345375767.
Genomic context (GRCh38, chr1:236,731,236, plus strand): 5'-CATAAGTCTTGTTTCAAAATATATTTTAAAAATCTGACTGTCTTGGTTTTCATACAGGAT[G>T]ACCCCATAGGAAATATTAACCTGGCCATGGAAATCGCTGAGAAGCACCTGGATATTCCTA-3'
Protein context (NP_001094.1, residues 197-217): LIDYSKLNKD[Asp207Tyr]PIGNINLAME

ClinVar aggregate classification (germline): Uncertain significance (1 of 4 stars; one submission).

Conditions:
Dilated cardiomyopathy 1AA (CMD1AA). Also called: CARDIOMYOPATHY, FAMILIAL HYPERTROPHIC, 23, WITH OR WITHOUT LEFT VENTRICULAR NONCOMPACTION; CARDIOMYOPATHY, DILATED, 1AA, WITH OR WITHOUT LEFT VENTRICULAR NONCOMPACTION; Cardiomyopathy, dilated, 1AA, with or without LVNC. Identifiers: Orphanet 154, MedGen C2677338, MONDO:0012808, OMIM 612158.
Primary familial hypertrophic cardiomyopathy (HCM). Identifiers: Orphanet 99739, MedGen C0949658, MeSH D024741, MONDO:0024573. Inheritance: Various modes of inheritance.

Allele frequency attached by ClinVar (database versions not stated): gnomAD exomes below 0.00001.
gnomAD v4.1: 1 of 1,611,462 alleles (0.000062%); highest among the groups gnomAD compares: Non-Finnish European, 0.000085%; no homozygotes.

Submission:

Labcorp Genetics (formerly Invitae), Labcorp
Classification: Uncertain significance for Primary familial hypertrophic cardiomyopathy; Dilated cardiomyopathy 1AA. Last evaluated: 2025-01-28. Review status: criteria provided, single submitter. Criteria: Invitae Variant Classification Sherloc (09022015). Collection method: clinical testing. Allele origin: germline.
Comment: This sequence change replaces aspartic acid, which is acidic and polar, with tyrosine, which is neutral and polar, at codon 207 of the ACTN2 protein (p.Asp207Tyr). This variant is not present in population databases (gnomAD no frequency). This variant has not been reported in the literature in individuals affected with ACTN2-related conditions. ClinVar contains an entry for this variant (Variation ID: 2115829). Invitae Evidence Modeling of protein sequence and biophysical properties (such as structural, functional, and spatial information, amino acid conservation, physicochemical variation, residue mobility, and thermodynamic stability) indicates that this missense variant is expected to disrupt ACTN2 protein function with a positive predictive value of 80%. In summary, the available evidence is currently insufficient to determine the role of this variant in disease. Therefore, it has been classified as a Variant of Uncertain Significance.